The following is an entry in ClinVar:

ClinVar aggregate classification (germline): Uncertain significance (1 of 4 stars; one submission).

Conditions:
Charcot-Marie-Tooth disease type 2. Also called: Charcot-Marie-Tooth type 2. Identifiers: Orphanet 64746, MedGen C0270914, MONDO:0018993.

Submission:

Labcorp Genetics (formerly Invitae), Labcorp
Classification: Uncertain significance for Charcot-Marie-Tooth disease type 2. Last evaluated: 2022-01-23. Review status: criteria provided, single submitter. Criteria: Invitae Variant Classification Sherloc (09022015). Collection method: clinical testing. Allele origin: germline.
Comment: In summary, the available evidence is currently insufficient to determine the role of this variant in disease. Therefore, it has been classified as a Variant of Uncertain Significance. Variants that disrupt the consensus splice site are a relatively common cause of aberrant splicing (PMID: 17576681, 9536098). Algorithms developed to predict the effect of sequence changes on RNA splicing suggest that this variant is not likely to affect RNA splicing. This variant has not been reported in the literature in individuals affected with KIF1B-related conditions. This variant is not present in population databases (gnomAD no frequency). This sequence change falls in intron 45 of the KIF1B gene. It does not directly change the encoded amino acid sequence of the KIF1B protein. It affects a nucleotide within the consensus splice site.

Literature cited by the submitters: PubMed 17576681; PubMed 9536098.

NM_001365951.3(KIF1B):c.5290-3C>T

Gene: KIF1B (kinesin family member 1B; plus strand). Cytogenetic location: 1p36.22.
Variant type: single nucleotide variant.
Coding change: c.5290-3C>T on transcript NM_001365951.3 (MANE Select); 3 bases into the intron before coding-DNA position 5290, C replaced by T.
Molecular consequence: intron variant.
Genome position (GRCh38, 1-based): chr1:10,375,252, C>T. VCF-style: chr1-10375252-C-T. GRCh37 (hg19) VCF-style: chr1-10435310-C-T.
Other names: c.5152-3C>T (NM_015074.3); c.5290-3C>T (NM_001365952.1).
Identifiers: ClinVar variation 2191766 (VCV002191766.4), dbSNP rs2521985941, ClinGen allele CA2580060468.